The following is an entry in ClinVar:

NM_000059.4(BRCA2):c.9546T>G (p.His3182Gln)

Gene: BRCA2 (BRCA2 DNA repair associated; plus strand). Cytogenetic location: 13q13.1.
Variant type: single nucleotide variant.
Coding change: c.9546T>G on transcript NM_000059.4 (MANE Select); coding-DNA position 9546, T replaced by G.
Protein change: p.His3182Gln; replaces histidine 3182 with glutamine.
Molecular consequence: missense variant. On other transcripts: non-coding transcript variant (1).
Genome position (GRCh38, 1-based): chr13:32,396,942, T>G. VCF-style: chr13-32396942-T-G. GRCh37 (hg19) VCF-style: chr13-32971079-T-G.
Other names: c.9450T>G, p.His3150Gln (NM_001406719.1); c.9495T>G, p.His3165Gln (NM_001406720.1); c.4614T>G, p.His1538Gln (NM_001406721.1); c.3129T>G, p.His1043Gln (NM_001406722.1); c.9546T>G, p.His3182Gln (NM_001432077.1); short protein forms H1043Q, H1538Q, H3150Q, H3165Q, H3182Q.
Identifiers: ClinVar variation 3340219 (VCV003340219.2).

ClinVar aggregate classification (germline): Uncertain significance. Review status: criteria provided, multiple submitters, no conflicts (2 of 4 stars). 2 submissions from 2 submitters: Uncertain significance (2). Last evaluated 2024-03-22.

Submissions (2):

Quest Diagnostics Nichols Institute San Juan Capistrano
Classification: Uncertain significance. Last evaluated: 2024-03-22. Review status: criteria provided, single submitter. Criteria: Quest Diagnostics criteria. Collection method: clinical testing. Allele origin: unknown.
Comment: The BRCA2 c.9546T>G (p.His3182Gln) variant has not been reported in individuals with BRCA2-related conditions in the published literature. It also has not been reported in large, multi-ethnic general populations (Genome Aggregation Database). Analysis of this variant using bioinformatics tools for the prediction of the effect of amino acid changes on protein structure and function yielded predictions that this variant is benign. Based on the available information, we are unable to determine the clinical significance of this variant.

GeneDx
Classification: Uncertain significance. Last evaluated: 2023-11-19. Review status: criteria provided, single submitter. Criteria: GeneDx Variant Classification Process June 2021. Collection method: clinical testing. Allele origin: germline. Affected: yes.
Comment: Not observed at significant frequency in large population cohorts (gnomAD); In silico analysis supports that this missense variant does not alter protein structure/function; Has not been previously published as pathogenic or benign to our knowledge; Also known as 9874T>G; This variant is associated with the following publications: (PMID: 12228710)